The following is an entry in ClinVar:

NM_004990.4(MARS1):c.1052T>C (p.Phe351Ser)

Gene: MARS1 (methionyl-tRNA synthetase 1; plus strand). Cytogenetic location: 12q13.3.
Variant type: single nucleotide variant.
Coding change: c.1052T>C on transcript NM_004990.4 (MANE Select); coding-DNA position 1052, T replaced by C.
Protein change: p.Phe351Ser; replaces phenylalanine 351 with serine.
Molecular consequence: missense variant.
Genome position (GRCh38, 1-based): chr12:57,498,584, T>C. VCF-style: chr12-57498584-T-C. GRCh37 (hg19) VCF-style: chr12-57892367-T-C.
Other names: short protein forms F351S.
Identifiers: ClinVar variation 1681716 (VCV001681716.6), dbSNP rs2140017178, ClinGen allele CA385456230.

ClinVar aggregate classification (germline): Uncertain significance (1 of 4 stars; one submission).

Conditions:
Severe early-onset pulmonary alveolar proteinosis due to MARS deficiency. Also called: PULMONARY ALVEOLAR PROTEINOSIS, REUNION ISLAND; Interstitial lung and liver disease. Identifiers: Orphanet 440427, MedGen C4225400, MONDO:0014206, OMIM 615486.
Charcot-Marie-Tooth disease axonal type 2U. Also called: CHARCOT-MARIE-TOOTH NEUROPATHY, TYPE 2U; CHARCOT-MARIE-TOOTH DISEASE, AXONAL, AUTOSOMAL DOMINANT, TYPE 2U. Identifiers: Orphanet 397735, MedGen C4084821, MONDO:0014566, OMIM 616280.

Allele frequency attached by ClinVar (database versions not stated): gnomAD exomes below 0.00001.

Submission:

Labcorp Genetics (formerly Invitae), Labcorp
Classification: Uncertain significance for Charcot-Marie-Tooth disease axonal type 2U; Severe early-onset pulmonary alveolar proteinosis due to MARS deficiency. Last evaluated: 2021-10-28. Review status: criteria provided, single submitter. Criteria: Invitae Variant Classification Sherloc (09022015). Collection method: clinical testing. Allele origin: germline.
Comment: This sequence change replaces phenylalanine, which is neutral and non-polar, with serine, which is neutral and polar, at codon 351 of the MARS protein (p.Phe351Ser). In summary, the available evidence is currently insufficient to determine the role of this variant in disease. Therefore, it has been classified as a Variant of Uncertain Significance. Algorithms developed to predict the effect of missense changes on protein structure and function are either unavailable or do not agree on the potential impact of this missense change (SIFT: "Deleterious"; PolyPhen-2: "Probably Damaging"; Align-GVGD: "Class C0"). This variant has not been reported in the literature in individuals affected with MARS-related conditions. This variant is not present in population databases (gnomAD no frequency).